The following is an entry in ClinVar:

ClinVar aggregate classification (germline): Uncertain significance. Review status: criteria provided, multiple submitters, no conflicts (2 of 4 stars). 2 submissions from 2 submitters: Uncertain significance (2). Last evaluated 2025-01-08.

Conditions:
Inborn genetic diseases. Identifiers: MedGen C0950123, MeSH D030342.
Fucosidosis. Also called: ALPHA-L-FUCOSIDASE DEFICIENCY. Identifiers: Orphanet 349, MedGen C0016788, MONDO:0009254, OMIM 230000.

Allele frequency attached by ClinVar (database versions not stated): gnomAD exomes 0.00006 and 0.00013; ExAC 0.00021; gnomAD 0.00037; 1000 Genomes Project 0.00040; TOPMed 0.00042; 1000 Genomes Project 30x 0.00047; ESP Exome Variant Server 0.00062.
gnomAD v4.1: 146 of 1,614,096 alleles (0.009%); highest among the groups gnomAD compares: African/African-American, 0.12%; no homozygotes.

Submissions (2):

Ambry Genetics
Classification: Uncertain significance for Inborn genetic diseases. Last evaluated: 2025-01-08. Review status: criteria provided, single submitter. Criteria: Ambry Variant Classification Scheme 2023. Collection method: clinical testing. Allele origin: germline.

Labcorp Genetics (formerly Invitae), Labcorp
Classification: Uncertain significance for Fucosidosis. Last evaluated: 2022-08-10. Review status: criteria provided, single submitter. Criteria: Invitae Variant Classification Sherloc (09022015). Collection method: clinical testing. Allele origin: germline.
Comment: This sequence change replaces glycine, which is neutral and non-polar, with glutamic acid, which is acidic and polar, at codon 425 of the FUCA1 protein (p.Gly425Glu). This variant is present in population databases (rs150422575, gnomAD 0.1%). This variant has not been reported in the literature in individuals affected with FUCA1-related conditions. ClinVar contains an entry for this variant (Variation ID: 456362). Algorithms developed to predict the effect of missense changes on protein structure and function are either unavailable or do not agree on the potential impact of this missense change (SIFT: "Deleterious"; PolyPhen-2: "Probably Damaging"; Align-GVGD: "Class C0"). In summary, the available evidence is currently insufficient to determine the role of this variant in disease. Therefore, it has been classified as a Variant of Uncertain Significance.

NM_000147.5(FUCA1):c.1274G>A (p.Gly425Glu)

Gene: FUCA1 (alpha-L-fucosidase 1; minus strand). Cytogenetic location: 1p36.11.
Variant type: single nucleotide variant.
Coding change: c.1274G>A on transcript NM_000147.5 (MANE Select); coding-DNA position 1274, G replaced by A.
Protein change: p.Gly425Glu; replaces glycine 425 with glutamic acid.
Molecular consequence: missense variant.
Genome position (GRCh38, 1-based): chr1:23,845,842, C>T on the plus strand (G>A on the coding strand, the complement: FUCA1 is on the minus strand). VCF-style: chr1-23845842-C-T. GRCh37 (hg19) VCF-style: chr1-24172332-C-T.
Other names: short protein forms G425E.
Identifiers: ClinVar variation 456362 (VCV000456362.7), dbSNP rs150422575, ClinGen allele CA686286.